The following is an entry in ClinVar:

ClinVar aggregate classification (germline): Uncertain significance (1 of 4 stars; one submission).

Allele frequency attached by ClinVar (database versions not stated): gnomAD exomes below 0.00001.

Submission:

GeneDx
Classification: Uncertain significance. Last evaluated: 2022-03-03. Review status: criteria provided, single submitter. Criteria: GeneDx Variant Classification Process June 2021. Collection method: clinical testing. Allele origin: germline. Affected: yes.
Comment: Observed as a de novo variant in an individual with Tourette disorder in the published literature, however this individual also had de novo variants identified in the WNK4 and DCBLD1 genes (Willsey et al., 2017); Not observed in large population cohorts (gnomAD); Nonsense variant predicted to result in protein truncation or nonsense mediated decay in a gene for which loss-of-function is not a known mechanism of disease; Variants in candidate genes are classified as variants of uncertain significance in accordance with ACMG guidelines (Richards et al., 2015); This variant is associated with the following publications: (PMID: 28472652)

NM_020987.5(ANK3):c.1621C>T (p.Arg541Ter)

Gene: ANK3 (ankyrin 3; minus strand). Cytogenetic location: 10q21.2.
Variant type: single nucleotide variant.
Coding change: c.1621C>T on transcript NM_020987.5 (MANE Select); coding-DNA position 1621, C replaced by T.
Protein change: p.Arg541Ter; replaces arginine 541 with a stop codon.
Molecular consequence: nonsense.
Genome position (GRCh38, 1-based): chr10:60,198,408, G>A on the plus strand (C>T on the coding strand, the complement: ANK3 is on the minus strand). VCF-style: chr10-60198408-G-A. GRCh37 (hg19) VCF-style: chr10-61958166-G-A.
Other names: c.1603C>T, p.Arg535Ter (NM_001204403.2); c.1570C>T, p.Arg524Ter (NM_001204404.2); c.1621C>T, p.Arg541Ter (NM_001320874.2); short protein forms R524*, R535*, R541*.
Identifiers: ClinVar variation 2662699 (VCV002662699.1), dbSNP rs777591939, ClinGen allele CA376989701.
Genomic context (GRCh38, chr10:60,198,408, plus strand): 5'-TTATAGATAAAGACGCTCCATGATCCAAAAGGAACGCGGCCACATCCTCATGCCCCTCTC[G>A]GGCGGAAAGGTGAAGTGGGGTGTACCCAGAAGTTGTGGCTGCATTTGGAGATGCCCCTTG-3'